The following is an entry in ClinVar:

ClinVar aggregate classification (germline): Uncertain significance (1 of 4 stars; one submission).

Allele frequency attached by ClinVar (database versions not stated): TOPMed 0.00004; gnomAD 0.00007.
gnomAD v4.1: 13 of 1,614,038 alleles (0.00081%); highest among the groups gnomAD compares: African/African-American, 0.015%; no homozygotes.

Submission:

Labcorp Genetics (formerly Invitae), Labcorp
Classification: Uncertain significance. Last evaluated: 2022-08-22. Review status: criteria provided, single submitter. Criteria: Invitae Variant Classification Sherloc (09022015). Collection method: clinical testing. Allele origin: germline.
Comment: This sequence change replaces alanine, which is neutral and non-polar, with aspartic acid, which is acidic and polar, at codon 1179 of the ADAMTS18 protein (p.Ala1179Asp). This variant is present in population databases (no rsID available, gnomAD 0.02%). This variant has not been reported in the literature in individuals affected with ADAMTS18-related conditions. ClinVar contains an entry for this variant (Variation ID: 1011822). Algorithms developed to predict the effect of missense changes on protein structure and function are either unavailable or do not agree on the potential impact of this missense change (SIFT: "Not Available"; PolyPhen-2: "Benign"; Align-GVGD: "Not Available"). In summary, the available evidence is currently insufficient to determine the role of this variant in disease. Therefore, it has been classified as a Variant of Uncertain Significance.

NM_199355.4(ADAMTS18):c.3536C>A (p.Ala1179Asp)

Genes: ADAMTS18 (ADAM metallopeptidase with thrombospondin type 1 motif 18; minus strand), LOC126862407 (CDK7 strongly-dependent group 2 enhancer GRCh37_chr16:77322970-77324169; plus strand). Cytogenetic location: 16q23.1.
Variant type: single nucleotide variant.
Coding change: c.3536C>A on transcript NM_199355.4 (MANE Select); coding-DNA position 3536, C replaced by A.
Protein change: p.Ala1179Asp; replaces alanine 1179 with aspartic acid.
Molecular consequence: missense variant.
Genome position (GRCh38, 1-based): chr16:77,289,278, G>T on the plus strand (C>A on the coding strand, the complement: ADAMTS18 is on the minus strand). VCF-style: chr16-77289278-G-T. GRCh37 (hg19) VCF-style: chr16-77323175-G-T.
Other names: c.3020C>A, p.Ala1007Asp (NM_001326358.2); short protein forms A1007D, A1179D.
Identifiers: ClinVar variation 1011822 (VCV001011822.6), dbSNP rs763565905, ClinGen allele CA284419485.